The following is an entry in ClinVar:

NM_000352.6(ABCC8):c.2414G>A (p.Cys805Tyr)

Genes: ABCC8 (ATP binding cassette subfamily C member 8; minus strand), LOC110121471 (VISTA enhancer hs1977; plus strand). Cytogenetic location: 11p15.1.
Variant type: single nucleotide variant.
Coding change: c.2414G>A on transcript NM_000352.6 (MANE Select); coding-DNA position 2414, G replaced by A.
Protein change: p.Cys805Tyr; replaces cysteine 805 with tyrosine.
Molecular consequence: missense variant. On other transcripts: non-coding transcript variant (1).
Genome position (GRCh38, 1-based): chr11:17,413,455, C>T on the plus strand (G>A on the coding strand, the complement: ABCC8 is on the minus strand). VCF-style: chr11-17413455-C-T. GRCh37 (hg19) VCF-style: chr11-17435002-C-T.
Other names: c.2417G>A, p.Cys806Tyr (NM_001287174.3); c.2480G>A, p.Cys827Tyr (NM_001351295.2); c.2414G>A, p.Cys805Tyr (NM_001351296.2); c.2411G>A, p.Cys804Tyr (NM_001351297.2); short protein forms C804Y, C805Y, C806Y, C827Y.
Identifiers: ClinVar variation 1338575 (VCV001338575.6), dbSNP rs1401468345, ClinGen allele CA379808731.

ClinVar aggregate classification (germline): Uncertain significance. Review status: criteria provided, multiple submitters, no conflicts (2 of 4 stars). 2 submissions from 2 submitters: Uncertain significance (2). Last evaluated 2026-04-06.

Allele frequency attached by ClinVar (database versions not stated): TOPMed 0.00001.
gnomAD v4.1: 2 of 1,614,096 alleles (0.00012%); highest among the groups gnomAD compares: African/African-American, 0.0027%; no homozygotes.

Submissions (2):

Women's Health and Genetics/Laboratory Corporation of America, LabCorp
Classification: Uncertain significance. Last evaluated: 2026-04-06. Review status: criteria provided, single submitter. Criteria: LabCorp Variant Classification Summary - May 2015. Collection method: clinical testing. Allele origin: germline.
Comment: Variant summary: ABCC8 c.2414G>A (p.Cys805Tyr) results in a non-conservative amino acid change in the encoded protein sequence. Algorithms developed to predict the effect of missense changes on protein structure and function all suggest that this variant is likely to be disruptive. The variant was absent in 251490 control chromosomes. c.2414G>A has been reported in the literature in a homozygous individual affected with Hyperinsulinism (De Franco_2020). These data indicate that the variant may be associated with disease. To our knowledge, no experimental evidence demonstrating an impact on protein function has been reported. The following publication has been ascertained in the context of this evaluation (PMID: 32027066). ClinVar contains an entry for this variant (Variation ID: 1338575). Based on the evidence outlined above, the variant was classified as VUS-possibly pathogenic.

Genetic Services Laboratory, University of Chicago
Classification: Uncertain significance. Last evaluated: 2020-04-01. Review status: criteria provided, single submitter. Criteria: ACMG Guidelines, 2015. Collection method: clinical testing. Allele origin: germline. Affected: no.
Comment: DNA sequence analysis of the ABCC8 gene demonstrated a sequence change, c.2414G>A, in exon 20 that results in an amino acid change, p.Cys805Tyr. This sequence change does not appear to have been previously described in patients with ABCC8-related disorders. This sequence change is absent from the large population databases (ExAC and gnomAD). The p.Cys805Tyr change affects a highly conserved amino acid residue located in a domain of the ABCC8 protein that is known to be functional. The p.Cys805Tyr substitution appears to be deleterious using several in-silico pathogenicity prediction tools (SIFT, PolyPhen2, Align GVGD, REVEL). Due to these contrasting evidences and the lack of functional studies, the clinical significance of the p.Cys805Tyr change remains unknown at this time.

Literature cited by the submitters: PubMed 32027066 (cited by Women's Health and Genetics/Laboratory Corporation of America, LabCorp).